The following is an entry in ClinVar:

NM_001330574.2(ZNF711):c.1811A>G (p.Asn604Ser)

Gene: ZNF711 (zinc finger protein 711; plus strand). Cytogenetic location: Xq21.1.
Variant type: single nucleotide variant.
Coding change: c.1811A>G on transcript NM_001330574.2 (MANE Select); coding-DNA position 1811, A replaced by G.
Protein change: p.Asn604Ser; replaces asparagine 604 with serine.
Molecular consequence: missense variant.
Genome position (GRCh38, 1-based): chrX:85,271,215, A>G. VCF-style: chrX-85271215-A-G. GRCh37 (hg19) VCF-style: chrX-84526221-A-G.
Other names: c.1673A>G, p.Asn558Ser (NM_021998.5, NM_001375434.1, NM_001375435.1 and 2 more transcripts); c.1811A>G, p.Asn604Ser (NM_001375431.1, NM_001375432.1, NM_001375433.1); short protein forms N558S, N604S.
Identifiers: ClinVar variation 2428858 (VCV002428858.3), dbSNP rs2520409626, ClinGen allele CA413775162.
Genomic context (GRCh38, chrX:85,271,215, plus strand): 5'-GTATTTTCAGGTGTGCAGATCAATCAAATCTGAAAACTCACATTAAGTCTAAACATGGTA[A>G]CAATTTGCCATATAAATGTGAGCATTGTCCCCAAGCATTTGGTGATGAGAGGGAGCTTCA-3'
Protein context (NP_001317503.1, residues 594-614): LKTHIKSKHG[Asn604Ser]NLPYKCEHCP

ClinVar aggregate classification (germline): Uncertain significance (1 of 4 stars; one submission).

Submission:

GeneDx
Classification: Uncertain significance. Last evaluated: 2022-08-06. Review status: criteria provided, single submitter. Criteria: GeneDx Variant Classification Process June 2021. Collection method: clinical testing. Allele origin: germline. Affected: yes.
Comment: Not observed at significant frequency in large population cohorts (gnomAD); In silico analysis supports that this missense variant does not alter protein structure/function; Has not been previously published as pathogenic or benign to our knowledge